The following is an entry in ClinVar:

ClinVar aggregate classification (germline): Conflicting classifications of pathogenicity. Review status: criteria provided, conflicting classifications (1 of 4 stars). 4 submissions from 4 submitters: Pathogenic (1); Uncertain significance (1). 2 of the submissions do not count toward it. Last evaluated 2025-11-24.

Conditions:
POLE-related disorder. Also called: POLE-related disorders; POLE-related condition.
Intrauterine growth retardation, metaphyseal dysplasia, adrenal hypoplasia congenita, genital anomalies, and immunodeficiency. Also called: IMAGEI SYNDROME. Identifiers: MedGen C5193036, MONDO:0032684, OMIM 618336.
Hereditary cancer-predisposing syndrome. Also called: Neoplastic Syndromes, Hereditary; Tumor predisposition; Hereditary Cancer Syndrome; Hereditary neoplastic syndrome. Identifiers: Orphanet 140162, MedGen C0027672, MeSH D009386, MONDO:0015356.

Submissions (4):

Ambry Genetics
Classification: Uncertain significance for Hereditary cancer-predisposing syndrome. Last evaluated: 2025-11-24. Review status: criteria provided, single submitter. Criteria: Ambry Variant Classification Scheme 2023. Collection method: clinical testing. Allele origin: germline.
Comment: The c.5265delG variant, located in coding exon 39 of the POLE gene, results from a deletion of one nucleotide at nucleotide position 5265, causing a translational frameshift with a predicted alternate stop codon (p.I1756Sfs*5). This alteration is expected to result in loss of function by premature protein truncation or nonsense-mediated mRNA decay. This variant has been identified in the homozygous state and/or in conjunction with other POLE variant(s) in individual(s) with features consistent with IMAGE syndrome (Logan CV et al. Am J Hum Genet, 2018 Dec;103:1038-1044). Although biallelic loss of function of POLE has been associated with autosomal recessive POLE deficiency, haploinsufficiency of POLE has not been established as a mechanism of disease for POLE-related polymerase proofreading-associated polyposis (PPAP) and POLE-related CMMRD-like syndrome. Based on the supporting evidence, this variant is expected to be causative of POLE deficiency when present along with a second pathogenic variant on the other allele; however, its clinical significance for PPAP and POLE-related CMMRD-like syndrome is unclear.

Labcorp Genetics (formerly Invitae), Labcorp
Classification: Pathogenic. Last evaluated: 2025-07-25. Review status: criteria provided, single submitter. Criteria: Invitae Variant Classification Sherloc (09022015). Collection method: clinical testing. Allele origin: germline.
Comment: This sequence change creates a premature translational stop signal (p.Ile1756Serfs*5) in the POLE gene. It is expected to result in an absent or disrupted protein product. Loss-of-function variants in POLE are known to be pathogenic (PMID: 23230001, 25948378, 30503519). This variant is not present in population databases (gnomAD no frequency). This premature translational stop signal has been observed in individual(s) with autosomal recessive IMAGe syndrome (PMID: 30503519). ClinVar contains an entry for this variant (Variation ID: 473720). For these reasons, this variant has been classified as Pathogenic.

PreventionGenetics, part of Exact Sciences
Classification: Likely pathogenic for POLE-related condition. Last evaluated: 2023-11-08. Review status: no assertion criteria provided. Collection method: clinical testing. Allele origin: germline. Not counted in ClinVar's aggregate classification.
Comment: The POLE c.5265delG variant is predicted to result in a frameshift and premature protein termination (p.Ile1756Serfs*5). This variant was reported along with a second POLE variant in two individuals with IMAGE-I syndrome (Table 1, Nakano et al. 2022. PubMed ID: 35534205). This variant has not been reported in a large population database, indicating this variant is rare. It is interpreted as pathogenic in ClinVar. Pathogenic variants in POLE leading to loss of POLE protein function have been reported in individuals with autosomal recessive intrauterine growth retardation, metaphyseal dysplasia, adrenal hypoplasia congenita, genital anomalies, and immunodeficiency (IMAGe-I) syndrome (Pachlopnik Schmid et al. 2012. PubMed ID: 23230001; Thiffault et al. 2015. PubMed ID: 25948378; Long et al. 2018. PubMed ID: 30503519; Nakano et al. 2022. PubMed ID: 35534205). This variant is interpreted as likely pathogenic for autosomal recessive IMAGe-I syndrome and as a variant of uncertain significance for autosomal dominant POLE-associated disorders.

OMIM
Classification: Pathogenic for INTRAUTERINE GROWTH RETARDATION, METAPHYSEAL DYSPLASIA, ADRENAL HYPOPLASIA CONGENITA, GENITAL ANOMALIES, AND IMMUNODEFICIENCY. Last evaluated: 2019-02-26. Review status: no assertion criteria provided. Collection method: literature only. Allele origin: germline. Not counted in ClinVar's aggregate classification.

Literature cited by the submitters: PubMed 30503519 (cited by 3 submitters); PubMed 23230001 (cited by Labcorp Genetics (formerly Invitae), Labcorp); PubMed 25948378 (cited by Labcorp Genetics (formerly Invitae), Labcorp).

NM_006231.4(POLE):c.5265del (p.Ile1756fs)

Gene: POLE (DNA polymerase epsilon, catalytic subunit; minus strand). Cytogenetic location: 12q24.33.
Variant type: Deletion.
Coding change: c.5265del on transcript NM_006231.4 (MANE Select); coding-DNA position 5265, one base deleted (G; older notation c.5265delG).
Protein change: p.Ile1756fs; shifts the reading frame from isoleucine 1756.
Molecular consequence: frameshift variant.
Genome position (GRCh38, 1-based): chr12:132,641,760, C deleted on the plus strand (G on the coding strand, the reverse complement: POLE is on the minus strand); the first of 4 consecutive C bases (chr12:132,641,760-132,641,763); deleting any one gives the same sequence. VCF-style (leftmost placement, unchanged base first): chr12-132641759-TC-T. GRCh37 (hg19) VCF-style: chr12-133218345-TC-T.
Other names: c.5265delG (NM_006231.3, NM_006231.2); short protein forms I1756fs.
Identifiers: ClinVar variation 473720 (VCV000473720.10), dbSNP rs1555222342, ClinGen allele CA658658210.